The following is an entry in ClinVar:

NM_014727.3(KMT2B):c.3939C>G (p.Asn1313Lys)

Gene: KMT2B (lysine methyltransferase 2B; plus strand). Cytogenetic location: 19q13.12.
Variant type: single nucleotide variant.
Coding change: c.3939C>G on transcript NM_014727.3 (MANE Select); coding-DNA position 3939, C replaced by G.
Protein change: p.Asn1313Lys; replaces asparagine 1313 with lysine.
Molecular consequence: missense variant.
Genome position (GRCh38, 1-based): chr19:35,726,289, C>G. VCF-style: chr19-35726289-C-G. GRCh37 (hg19) VCF-style: chr19-36217190-C-G.
Other names: short protein forms N1313K.
Identifiers: ClinVar variation 1303585 (VCV001303585.2), dbSNP rs2146452260, ClinGen allele CA405411614.

ClinVar aggregate classification (germline): Uncertain significance (1 of 4 stars; one submission).

gnomAD v4.1: 1 of 1,613,934 alleles (0.000062%); highest among the groups gnomAD compares: East Asian, 0.0022%; no homozygotes.

Submission:

GeneDx
Classification: Uncertain significance. Last evaluated: 2020-04-03. Review status: criteria provided, single submitter. Criteria: GeneDx Variant Classification Process June 2021. Collection method: clinical testing. Allele origin: germline. Affected: yes.
Comment: Not observed in large population cohorts (Lek et al., 2016); In silico analysis supports that this missense variant does not alter protein structure/function; Has not been previously published as pathogenic or benign to our knowledge